The following is an entry in ClinVar:

NM_000038.6(APC):c.-18-136G>T

Gene: APC (APC regulator of WNT signaling pathway; plus strand). Cytogenetic location: 5q22.2.
Variant type: single nucleotide variant.
Coding change: c.-18-136G>T on transcript NM_000038.6 (MANE Select); 136 bases into the intron before 18 bases upstream of the start codon, G replaced by T.
Molecular consequence: intron variant.
Genome position (GRCh38, 1-based): chr5:112,754,737, G>T. VCF-style: chr5-112754737-G-T. GRCh37 (hg19) VCF-style: chr5-112090434-G-T.
Other names: c.-18-136G>T (NM_001354895.2, NM_001127510.3, NM_001354896.2 and 2 more transcripts); c.166-11589G>T (NM_001354897.2, NM_001354902.2, NM_001127511.3); c.61-11589G>T (NM_001354898.2, NM_001354904.2); c.-1053-136G>T (NM_001354906.2); c.-42-11589G>T (NM_001354900.2, NM_001354901.2, NM_001354905.2).
Identifiers: ClinVar variation 82819 (VCV000082819.2), dbSNP rs77982776, ClinGen allele CA006011.
Genomic context (GRCh38, chr5:112,754,737, plus strand): 5'-TTGAACTAAGACTCCACTGTTTCATCCTCTTAGATGCTGCTACTTGAACAATATTGTTTT[G>T]AGACCAAAAACTAGCATATTAACACAATTCTTCTTAAACGTCTTAAGAGTTTTGTTTCCT-3'

ClinVar aggregate classification (germline): other (0 of 4 stars; one submission).

Conditions:
Familial colorectal cancer. Identifiers: MedGen CN280943, MONDO:0023113. Disease mechanism: loss of function.

Allele frequency attached by ClinVar (database versions not stated): gnomAD exomes below 0.00001.
gnomAD v4.1: 1 of 753,496 alleles (0.00013%); highest among the groups gnomAD compares: Non-Finnish European, 0.00022%; no homozygotes.

Submission:

Systems Biology Platform Zhejiang California International NanoSystems Institute
Classification: other for Familial colorectal cancer. Review status: no assertion criteria provided. Collection method: not provided. Allele origin: unknown.
ClinVar note: Converted during submission from cancer to other.